The following is an entry in ClinVar:

NM_031407.7(HUWE1):c.11166CTT[1] (p.Phe3723del)

Gene: HUWE1 (HECT, UBA and WWE domain containing E3 ubiquitin protein ligase 1; minus strand). Cytogenetic location: Xp11.22.
Variant type: Microsatellite.
Coding change: c.11166CTT[1] on transcript NM_031407.7 (MANE Select); one copy of the 3-base unit CTT starting at c.11166; the reference has two copies in a row; one copy, 3 bases deleted; also written c.11169_11171del.
Protein change: p.Phe3723del; deletes phenylalanine 3723.
Molecular consequence: inframe deletion.
Genome position (GRCh38, 1-based): chrX:53,544,640-53,544,642, AAG deleted on the plus strand (CTT on the coding strand, the reverse complement: HUWE1 is on the minus strand); deleting any 3 consecutive bases within chrX:53,544,640-53,544,647 gives the same sequence; the position shown is the placement nearest the transcript's 3' end. VCF-style (leftmost placement, unchanged base first): chrX-53544639-CAAG-C. GRCh37 (hg19) VCF-style: chrX-53571600-CAAG-C.
Other names: c.11169_11171del (NM_031407.7); short protein forms F3723del.
Identifiers: ClinVar variation 2429080 (VCV002429080.4), dbSNP rs2522876707, ClinGen allele CA2580612459.

ClinVar aggregate classification (germline): Uncertain significance (1 of 4 stars; one submission).

Submission:

Greenwood Genetic Center Diagnostic Laboratories, Greenwood Genetic Center
Classification: Uncertain significance. Last evaluated: 2022-10-24. Review status: criteria provided, single submitter. Criteria: ACMG Guidelines, 2015. Collection method: clinical testing. Allele origin: germline. Affected: yes.
Comment: PM2